The following is an entry in ClinVar:

ClinVar aggregate classification (germline): Uncertain significance (1 of 4 stars; one submission).

Conditions:
Congenital contractural arachnodactyly (CCA). Also called: Arthrogryposis, distal, type 9; BEALS SYNDROME; Beals-Hecht syndrome. Identifiers: Orphanet 115, MedGen C0220668, MONDO:0007363, OMIM 121050.

Submission:

Labcorp Genetics (formerly Invitae), Labcorp
Classification: Uncertain significance for Congenital contractural arachnodactyly. Last evaluated: 2025-09-04. Review status: criteria provided, single submitter. Criteria: Invitae Variant Classification Sherloc (09022015). Collection method: clinical testing. Allele origin: germline.
Comment: This sequence change replaces glutamine, which is neutral and polar, with proline, which is neutral and non-polar, at codon 1679 of the FBN2 protein (p.Gln1679Pro). This variant is not present in population databases (gnomAD no frequency). This variant has not been reported in the literature in individuals affected with FBN2-related conditions. Invitae Evidence Modeling of protein sequence and biophysical properties (such as structural, functional, and spatial information, amino acid conservation, physicochemical variation, residue mobility, and thermodynamic stability) has been performed for this missense variant. However, the output from this modeling did not meet the statistical confidence thresholds required to predict the impact of this variant on FBN2 protein function. In summary, the available evidence is currently insufficient to determine the role of this variant in disease. Therefore, it has been classified as a Variant of Uncertain Significance.

NM_001999.4(FBN2):c.5036A>C (p.Gln1679Pro)

Gene: FBN2 (fibrillin 2; minus strand). Cytogenetic location: 5q23.3.
Variant type: single nucleotide variant.
Coding change: c.5036A>C on transcript NM_001999.4 (MANE Select); coding-DNA position 5036, A replaced by C.
Protein change: p.Gln1679Pro; replaces glutamine 1679 with proline.
Molecular consequence: missense variant.
Genome position (GRCh38, 1-based): chr5:128,311,338, T>G on the plus strand (A>C on the coding strand, the complement: FBN2 is on the minus strand). VCF-style: chr5-128311338-T-G. GRCh37 (hg19) VCF-style: chr5-127647030-T-G.
Other names: short protein forms Q1679P.
Identifiers: ClinVar variation 4717167 (VCV004717167.1).